The following is an entry in ClinVar:

ClinVar aggregate classification (germline): Uncertain significance (1 of 4 stars; one submission).

Conditions:
Cardiovascular phenotype. Identifiers: MedGen CN230736.

Submission:

Ambry Genetics
Classification: Uncertain significance for Cardiovascular phenotype. Last evaluated: 2025-05-15. Review status: criteria provided, single submitter. Criteria: Ambry Variant Classification Scheme 2023. Collection method: clinical testing. Allele origin: germline.
Comment: The p.L49P variant (also known as c.146T>C), located in coding exon 1 of the CRYAB gene, results from a T to C substitution at nucleotide position 146. The leucine at codon 49 is replaced by proline, an amino acid with similar properties. This amino acid position is conserved. In addition, the in silico prediction for this alteration is inconclusive. Based on the available evidence, the clinical significance of this variant remains unclear.

NM_001289808.2(CRYAB):c.146T>C (p.Leu49Pro)

Gene: CRYAB (crystallin alpha B; minus strand). Cytogenetic location: 11q23.1.
Variant type: single nucleotide variant.
Coding change: c.146T>C on transcript NM_001289808.2 (MANE Select); coding-DNA position 146, T replaced by C.
Protein change: p.Leu49Pro; replaces leucine 49 with proline.
Molecular consequence: missense variant.
Genome position (GRCh38, 1-based): chr11:111,911,579, A>G on the plus strand (T>C on the coding strand, the complement: CRYAB is on the minus strand). VCF-style: chr11-111911579-A-G. GRCh37 (hg19) VCF-style: chr11-111782303-A-G.
Other names: c.146T>C, p.Leu49Pro (NM_001289807.1, NM_001368245.1, NM_001885.3); short protein forms L49P.
Identifiers: ClinVar variation 4007140 (VCV004007140.1).
Genomic context (GRCh38, chr11:111,911,579, plus strand): 5'-CTCACCTCTGAGAGTCCAGTGTCAAACCAGCTGGGTGCCCGCAGGAAGGAGGGTGGCCGA[A>G]GGTAGAAGGGACTCAGGGAAGTAGACGTCGGGAAAAGATCAGACTCCAACAGGTGCTCTC-3'
Protein context (NP_001276737.1, residues 39-59): PTSTSLSPFY[Leu49Pro]RPPSFLRAPS